The following is an entry in ClinVar:

ClinVar aggregate classification (germline): Conflicting classifications of pathogenicity. Review status: criteria provided, conflicting classifications (1 of 4 stars). 9 submissions from 9 submitters: Uncertain significance (7); Likely benign (1). 1 of the submissions does not count toward it. Last evaluated 2026-01-20.

Conditions:
Mitochondrial DNA depletion syndrome, encephalomyopathic form with methylmalonic aciduria (MTDPS5). Also called: SUCLA2-Related Mitochondrial DNA Depletion Syndrome, Encephalomyopathic Form with Methylmalonic Aciduria; MITOCHONDRIAL DNA DEPLETION SYNDROME, ENCEPHALOMYOPATHIC FORM, WITH OR WITHOUT METHYLMALONIC ACIDURIA, AUTOSOMAL RECESSIVE, SUCLA2-RELATED; Mitochondrial DNA depletion syndrome 5 (encephalomyopathic with or without methylmalonic aciduria); Mitochondrial encephalomyopathy aminoacidopathy. Identifiers: Orphanet 1933, MedGen C5980207, MONDO:0012791, OMIM 612073.
SUCLA2-related disorder. Also called: SUCLA2-related condition.

Allele frequency attached by ClinVar (database versions not stated): gnomAD 0.00023 and 0.00024; TOPMed 0.00029; ESP Exome Variant Server 0.00031.
gnomAD v4.1: 436 of 1,608,810 alleles (0.027%); highest among the groups gnomAD compares: Middle Eastern, 0.43%; 1 homozygote.

Submissions (9):

Labcorp Genetics (formerly Invitae), Labcorp
Classification: Likely benign for Mitochondrial DNA depletion syndrome, encephalomyopathic form with methylmalonic aciduria. Last evaluated: 2026-01-20. Review status: criteria provided, single submitter. Criteria: Invitae Variant Classification Sherloc (09022015). Collection method: clinical testing. Allele origin: germline.

GeneDx
Classification: Uncertain significance. Last evaluated: 2026-01-13. Review status: criteria provided, single submitter. Criteria: GeneDx Variant Classification Process June 2021. Collection method: clinical testing. Allele origin: germline. Affected: yes.
Comment: In silico analysis supports that this missense variant has a deleterious effect on protein structure/function; This variant is associated with the following publications: (PMID: 20843780)

Mayo Clinic Laboratories, Mayo Clinic
Classification: Uncertain significance. Last evaluated: 2024-07-30. Review status: criteria provided, single submitter. Criteria: ACMG Guidelines, 2015. Collection method: clinical testing. Allele origin: germline. Observed: 2 variant alleles.
Comment: BS1

Fulgent Genetics
Classification: Uncertain significance for Mitochondrial DNA depletion syndrome, encephalomyopathic form with methylmalonic aciduria. Last evaluated: 2024-04-15. Review status: criteria provided, single submitter. Criteria: ACMG Guidelines, 2015. Collection method: clinical testing. Allele origin: germline.

Baylor Genetics
Classification: Uncertain significance for Mitochondrial DNA depletion syndrome, encephalomyopathic form with methylmalonic aciduria. Last evaluated: 2019-11-20. Review status: criteria provided, single submitter. Criteria: ACMG Guidelines, 2015. Collection method: clinical testing. Allele origin: unknown. Affected: yes.
Comment: This variant was determined to be of uncertain significance according to ACMG Guidelines, 2015 [PMID:25741868].

Center for Pediatric Genomic Medicine, Children's Mercy Hospital and Clinics
Classification: Uncertain significance. Last evaluated: 2017-07-06. Review status: criteria provided, single submitter. Criteria: ACMG Guidelines, 2015. Collection method: clinical testing. Allele origin: germline.

Illumina Laboratory Services, Illumina
Classification: Uncertain significance for Mitochondrial DNA depletion syndrome, encephalomyopathic form with methylmalonic aciduria. Last evaluated: 2017-04-27. Review status: criteria provided, single submitter. Criteria: ICSL Variant Classification Criteria 13 December 2019. Collection method: clinical testing. Allele origin: germline.
Comment: This variant was observed as part of a predisposition screen in an ostensibly healthy population. A literature search was performed for the gene, cDNA change, and amino acid change (where applicable). Publications were found based on this search. However, the evidence from the literature, in combination with allele frequency data from public databases where available, was not sufficient to rule this variant in or out of causing disease. Therefore, this variant is classified as a variant of unknown significance.

Eurofins Ntd Llc (ga)
Classification: Uncertain significance. Last evaluated: 2016-06-20. Review status: criteria provided, single submitter. Criteria: EGL Classification Definitions 2015. Collection method: clinical testing. Allele origin: germline. Observed: 2 variant alleles, 2 heterozygotes.

PreventionGenetics, part of Exact Sciences
Classification: Likely benign for SUCLA2-related condition. Last evaluated: 2022-04-03. Review status: no assertion criteria provided. Collection method: clinical testing. Allele origin: germline. Not counted in ClinVar's aggregate classification.
Comment: This variant is classified as likely benign based on ACMG/AMP sequence variant interpretation guidelines (Richards et al. 2015 PMID: 25741868, with internal and published modifications).

Literature cited by the submitters: PubMed 20843780 (cited by Mayo Clinic Laboratories, Mayo Clinic and Illumina Laboratory Services, Illumina).

NM_003850.3(SUCLA2):c.49C>G (p.Arg17Gly)

Genes: SUCLA2 (succinate-CoA ligase ADP-forming subunit beta; minus strand), LOC130009747 (ATAC-STARR-seq lymphoblastoid active region 7719; plus strand). Cytogenetic location: 13q14.2.
Variant type: single nucleotide variant.
Coding change: c.49C>G on transcript NM_003850.3 (MANE Select); coding-DNA position 49, C replaced by G.
Protein change: p.Arg17Gly; replaces arginine 17 with glycine.
Molecular consequence: missense variant.
Genome position (GRCh38, 1-based): chr13:48,001,221, G>C on the plus strand (C>G on the coding strand, the complement: SUCLA2 is on the minus strand). VCF-style: chr13-48001221-G-C. GRCh37 (hg19) VCF-style: chr13-48575357-G-C.
Other names: p.Arg17Gly; short protein forms R17G.
Identifiers: ClinVar variation 288868 (VCV000288868.32), dbSNP rs200124902, ClinGen allele CA6978121.